The following is an entry in ClinVar:

NM_198428.3(BBS9):c.1099C>T (p.Gln367Ter)

Gene: BBS9 (Bardet-Biedl syndrome 9; plus strand). Cytogenetic location: 7p14.3.
Variant type: single nucleotide variant.
Coding change: c.1099C>T on transcript NM_198428.3 (MANE Select); coding-DNA position 1099, C replaced by T.
Protein change: p.Gln367Ter; replaces glutamine 367 with a stop codon.
Molecular consequence: nonsense. On other transcripts: non-coding transcript variant (3).
Genome position (GRCh38, 1-based): chr7:33,336,523, C>T. VCF-style: chr7-33336523-C-T. GRCh37 (hg19) VCF-style: chr7-33376135-C-T.
Other names: c.1099C>T, p.Gln367Ter (NM_001033604.2, NM_001033605.2, NM_001348036.1 and 7 more transcripts); c.733C>T, p.Gln245Ter (NM_001348037.3, NM_001348044.3, NM_001348045.3 and 1 more transcripts); c.826C>T, p.Gln276Ter (NM_001348038.3, NM_001348039.3); c.964C>T, p.Gln322Ter (NM_001348042.3); short protein forms Q276*, Q322*, Q245*, Q367*.
Identifiers: ClinVar variation 2995997 (VCV002995997.4), dbSNP rs377289479, ClinGen allele CA156726914.
Genomic context (GRCh38, chr7:33,336,523, plus strand): 5'-ACTCTGAGTGATGATGGTCACTTGCAGTGTTCATACCTGGGGACAGATCCTTCTCTGTTC[C>T]AAGCTCCAAACGTTCAATCTCGAGAACTAAACTATGATGAACTTGATGTAGAAATGAAAG-3'

ClinVar aggregate classification (germline): Pathogenic/Likely pathogenic. Review status: criteria provided, multiple submitters, no conflicts (2 of 4 stars). 2 submissions from 2 submitters: Pathogenic (1); Likely pathogenic (1). Last evaluated 2024-03-16.

Conditions:
Bardet-Biedl syndrome (BBS). Identifiers: Orphanet 110, MedGen C0752166, MONDO:0015229.
Bardet-Biedl syndrome 9 (BBS9). Identifiers: Orphanet 110, MedGen C1859567, MONDO:0014437, OMIM 615986.

Allele frequency attached by ClinVar (database versions not stated): gnomAD exomes below 0.00001; gnomAD 0.00001; TOPMed 0.00001; ESP Exome Variant Server 0.00008.
gnomAD v4.1: 2 of 1,613,318 alleles (0.00012%); highest among the groups gnomAD compares: Non-Finnish European, 0.00017%; no homozygotes.

Submissions (2):

Baylor Genetics
Classification: Likely pathogenic for Bardet-Biedl syndrome 9. Last evaluated: 2024-03-16. Review status: criteria provided, single submitter. Criteria: ACMG Guidelines, 2015. Collection method: clinical testing. Allele origin: unknown.

Labcorp Genetics (formerly Invitae), Labcorp
Classification: Pathogenic for Bardet-Biedl syndrome. Last evaluated: 2022-12-31. Review status: criteria provided, single submitter. Criteria: Invitae Variant Classification Sherloc (09022015). Collection method: clinical testing. Allele origin: germline.
Comment: For these reasons, this variant has been classified as Pathogenic. This variant has not been reported in the literature in individuals affected with BBS9-related conditions. This variant is not present in population databases (gnomAD no frequency). This sequence change creates a premature translational stop signal (p.Gln367*) in the BBS9 gene. It is expected to result in an absent or disrupted protein product. Loss-of-function variants in BBS9 are known to be pathogenic (PMID: 16380913, 20177705).

Literature cited by the submitters: PubMed 16380913 (cited by Labcorp Genetics (formerly Invitae), Labcorp); PubMed 20177705 (cited by Labcorp Genetics (formerly Invitae), Labcorp).